The following is an entry in ClinVar:

ClinVar aggregate classification (germline): Pathogenic (1 of 4 stars; one submission).

Conditions:
Neurofibromatosis, type 1 (NF1). Also called: VON RECKLINGHAUSEN DISEASE; NEUROFIBROMATOSIS, TYPE I, SOMATIC; Neurofibromatosis, type I; Peripheral type neurofibromatosis. Identifiers: Orphanet 636, MedGen C0027831, MONDO:0018975, OMIM 162200. Disease mechanism: loss of function.

Submission:

Labcorp Genetics (formerly Invitae), Labcorp
Classification: Pathogenic for Neurofibromatosis, type 1. Last evaluated: 2021-07-28. Review status: criteria provided, single submitter. Criteria: Invitae Variant Classification Sherloc (09022015). Collection method: clinical testing. Allele origin: germline.
Comment: This premature translational stop signal has been observed in individual(s) with neurofibromatosis type 1 (PMID: 27838393). For these reasons, this variant has been classified as Pathogenic. This variant is not present in population databases (ExAC no frequency). This sequence change creates a premature translational stop signal (p.Leu2418*) in the NF1 gene. It is expected to result in an absent or disrupted protein product. Loss-of-function variants in NF1 are known to be pathogenic (PMID: 10712197, 23913538).

Literature cited by the submitters: PubMed 27838393; PubMed 10712197; PubMed 23913538.

NM_001042492.3(NF1):c.7316T>G (p.Leu2439Ter)

Gene: NF1 (neurofibromin 1; plus strand). Cytogenetic location: 17q11.2.
Variant type: single nucleotide variant.
Coding change: c.7316T>G on transcript NM_001042492.3 (MANE Select); coding-DNA position 7316, T replaced by G.
Protein change: p.Leu2439Ter; replaces leucine 2439 with a stop codon.
Molecular consequence: nonsense.
Genome position (GRCh38, 1-based): chr17:31,349,246, T>G. VCF-style: chr17-31349246-T-G. GRCh37 (hg19) VCF-style: chr17-29676264-T-G.
Other names: c.7253T>G, p.Leu2418Ter (NM_000267.4); short protein forms L2418*, L2439*.
Identifiers: ClinVar variation 1428777 (VCV001428777.6), dbSNP rs2070078996, ClinGen allele CA399016919.